The following is an entry in ClinVar:

NM_020774.4(MIB1):c.1967A>C (p.Asn656Thr)

Gene: MIB1 (MIB E3 ubiquitin protein ligase 1; plus strand). Cytogenetic location: 18q11.2.
Variant type: single nucleotide variant.
Coding change: c.1967A>C on transcript NM_020774.4 (MANE Select); coding-DNA position 1967, A replaced by C.
Protein change: p.Asn656Thr; replaces asparagine 656 with threonine.
Molecular consequence: missense variant.
Genome position (GRCh38, 1-based): chr18:21,843,135, A>C. VCF-style: chr18-21843135-A-C. GRCh37 (hg19) VCF-style: chr18-19423096-A-C.
Other names: short protein forms N656T.
Identifiers: ClinVar variation 1684118 (VCV001684118.5), dbSNP rs369313882, ClinGen allele CA8908488.

ClinVar aggregate classification (germline): Uncertain significance. Review status: criteria provided, multiple submitters, no conflicts (2 of 4 stars). 2 submissions from 2 submitters: Uncertain significance (2). Last evaluated 2025-02-05.

Conditions:
Inborn genetic diseases. Identifiers: MedGen C0950123, MeSH D030342.

Allele frequency attached by ClinVar (database versions not stated): 1000 Genomes Project 0.00020; 1000 Genomes Project 30x 0.00031.
gnomAD v4.1: 20 of 1,602,822 alleles (0.0012%); highest among the groups gnomAD compares: African/African-American, 0.026%; no homozygotes.

Submissions (2):

Ambry Genetics
Classification: Uncertain significance for Inborn genetic diseases. Last evaluated: 2025-02-05. Review status: criteria provided, single submitter. Criteria: Ambry Variant Classification Scheme 2023. Collection method: clinical testing. Allele origin: germline.

GeneDx
Classification: Uncertain significance. Last evaluated: 2022-04-26. Review status: criteria provided, single submitter. Criteria: GeneDx Variant Classification Process June 2021. Collection method: clinical testing. Allele origin: germline. Affected: yes.
Comment: In silico analysis supports that this missense variant does not alter protein structure/function; Has not been previously published as pathogenic or benign to our knowledge; This variant is associated with the following publications: (PMID: 27535533)